The following is an entry in ClinVar:

ClinVar aggregate classification (germline): Uncertain significance (1 of 4 stars; one submission).

Conditions:
Hereditary spastic paraplegia 11. Also called: Nakamura Osame syndrome; Autosomal recessive hereditary spastic paraplegia, mental impairment, and thin corpus callosum; Spastic paraplegia, mental retardation and thin corpus callosum; SPASTIC PARAPLEGIA, AUTOSOMAL RECESSIVE, COMPLICATED, WITH THIN CORPUS CALLOSUM; SPASTIC PARAPLEGIA, AUTOSOMAL RECESSIVE, WITH MENTAL IMPAIRMENT AND THIN CORPUS CALLOSUM; Spastic Paraplegia 11. Identifiers: Orphanet 2822, MedGen C1858479, MONDO:0011445, OMIM 604360.

Allele frequency attached by ClinVar (database versions not stated): gnomAD exomes below 0.00001; ExAC 0.00001.

Submission:

Labcorp Genetics (formerly Invitae), Labcorp
Classification: Uncertain significance for Hereditary spastic paraplegia 11. Last evaluated: 2021-08-13. Review status: criteria provided, single submitter. Criteria: Invitae Variant Classification Sherloc (09022015). Collection method: clinical testing. Allele origin: germline.
Comment: This sequence change replaces leucine with valine at codon 1935 of the SPG11 protein (p.Leu1935Val). The leucine residue is highly conserved and there is a small physicochemical difference between leucine and valine. This variant is present in population databases (rs746663514, ExAC 0.01%). This variant has not been reported in the literature in individuals affected with SPG11-related conditions. Algorithms developed to predict the effect of missense changes on protein structure and function are either unavailable or do not agree on the potential impact of this missense change (SIFT: "Tolerated"; PolyPhen-2: "Probably Damaging"; Align-GVGD: "Class C0"). In summary, the available evidence is currently insufficient to determine the role of this variant in disease. Therefore, it has been classified as a Variant of Uncertain Significance.

NM_025137.4(SPG11):c.5803C>G (p.Leu1935Val)

Gene: SPG11 (SPG11 vesicle trafficking associated, spatacsin; minus strand). Cytogenetic location: 15q21.1.
Variant type: single nucleotide variant.
Coding change: c.5803C>G on transcript NM_025137.4 (MANE Select); coding-DNA position 5803, C replaced by G.
Protein change: p.Leu1935Val; replaces leucine 1935 with valine.
Molecular consequence: missense variant.
Genome position (GRCh38, 1-based): chr15:44,583,877, G>C on the plus strand (C>G on the coding strand, the complement: SPG11 is on the minus strand). VCF-style: chr15-44583877-G-C. GRCh37 (hg19) VCF-style: chr15-44876075-G-C.
Other names: c.5803C>G, p.Leu1935Val (NM_001160227.2); short protein forms L1935V.
Identifiers: ClinVar variation 1057855 (VCV001057855.6), dbSNP rs746663514, ClinGen allele CA7534346.
Genomic context (GRCh38, chr15:44,583,877, plus strand): 5'-TGTGGACTCTCCTTAGGGGAATGTCGGGTGCTTCTTCCTCAAGCAGCTCAGCACTTTGTA[G>C]GAGAGCATGGATCTCTGGGTGCAGATCCTCCATACTAGCTTCCCCTGAGGCCAGTGCTCT-3'
Protein context (NP_079413.3, residues 1925-1945): EDLHPEIHAL[Leu1935Val]QSAELLEEEA